The following is an entry in ClinVar:

NM_053025.4(MYLK):c.4081A>G (p.Ser1361Gly)

Gene: MYLK (myosin light chain kinase; minus strand). Cytogenetic location: 3q21.1.
Variant type: single nucleotide variant.
Coding change: c.4081A>G on transcript NM_053025.4 (MANE Select); coding-DNA position 4081, A replaced by G.
Protein change: p.Ser1361Gly; replaces serine 1361 with glycine.
Molecular consequence: missense variant.
Genome position (GRCh38, 1-based): chr3:123,657,333, T>C on the plus strand (A>G on the coding strand, the complement: MYLK is on the minus strand). VCF-style: chr3-123657333-T-C. GRCh37 (hg19) VCF-style: chr3-123376180-T-C.
Other names: c.3553A>G, p.Ser1185Gly (NM_001321309.2); c.3874A>G, p.Ser1292Gly (NM_053026.4, NM_053028.4); c.4081A>G, p.Ser1361Gly (NM_053027.4); short protein forms S1185G, S1292G, S1361G.
Identifiers: ClinVar variation 4860610 (VCV004860610.1).

ClinVar aggregate classification (germline): Uncertain significance (1 of 4 stars; one submission).

Conditions:
Familial thoracic aortic aneurysm and aortic dissection (TAAD). Also called: Thoracic aortic aneurysms and dissections. Identifiers: Orphanet 91387, MedGen C4707243, MONDO:0019625.

Submission:

Ambry Genetics
Classification: Uncertain significance for Familial thoracic aortic aneurysm and aortic dissection. Last evaluated: 2026-04-20. Review status: criteria provided, single submitter. Criteria: Ambry Variant Classification Scheme 2023. Collection method: clinical testing. Allele origin: germline.
Comment: The p.S1361G variant (also known as c.4081A>G), located in coding exon 21 of the MYLK gene, results from an A to G substitution at nucleotide position 4081. The serine at codon 1361 is replaced by glycine, an amino acid with similar properties. This amino acid position is conserved. In addition, this alteration is predicted to be tolerated by in silico analysis. Based on the available evidence, the clinical significance of this variant remains unclear.